The following is an entry in ClinVar:

ClinVar aggregate classification (germline): Conflicting classifications of pathogenicity. Review status: criteria provided, conflicting classifications (1 of 4 stars). 4 submissions from 4 submitters: Uncertain significance (3); Likely benign (1). Last evaluated 2024-06-20.

Conditions:
Hereditary breast ovarian cancer syndrome. Also called: Hereditary breast and ovarian cancer syndrome (HBOC); BRCA1- and BRCA2-Associated Hereditary Breast and Ovarian Cancer; Hereditary breast and/or ovarian cancer syndrome; Hereditary breast and ovarian cancer syndrome; Hereditary breast and ovarian cancer; Breast and ovarian cancer. Identifiers: Orphanet 145, MedGen C0677776, MeSH D061325, MONDO:0003582. Disease mechanism: loss of function.
Hereditary cancer-predisposing syndrome. Also called: Neoplastic Syndromes, Hereditary; Hereditary neoplastic syndrome; Tumor predisposition; Hereditary Cancer Syndrome. Identifiers: Orphanet 140162, MedGen C0027672, MeSH D009386, MONDO:0015356.
Breast-ovarian cancer, familial, susceptibility to, 1 (BROVCA1). Also called: BRCA1 Hereditary Breast and Ovarian Cancer; OVARIAN CANCER, SUSCEPTIBILITY TO. Identifiers: Orphanet 145, MedGen C2676676, MONDO:0011450, OMIM 604370. Disease mechanism: loss of function.

Submissions (4):

Myriad Genetics, Inc.
Classification: Likely benign for Breast-ovarian cancer, familial, susceptibility to, 1. Last evaluated: 2024-06-20. Review status: criteria provided, single submitter. Criteria: Myriad Autosomal Dominant, Autosomal Recessive and X-Linked Classification Criteria (2023). Collection method: clinical testing. Allele origin: unknown.
Comment: This variant is considered likely benign. This variant is strongly associated with less severe personal and family histories of cancer, typical for individuals without pathogenic variants in this gene [PMID: 25085752].

Ambry Genetics
Classification: Uncertain significance for Hereditary cancer-predisposing syndrome. Last evaluated: 2021-12-17. Review status: criteria provided, single submitter. Criteria: Ambry Variant Classification Scheme 2023. Collection method: clinical testing. Allele origin: germline.
Comment: The p.P1859S variant (also known as c.5575C>T), located in coding exon 22 of the BRCA1 gene, results from a C to T substitution at nucleotide position 5575. The proline at codon 1859 is replaced by serine, an amino acid with similar properties. This amino acid position is not well conserved in available vertebrate species. In addition, the in silico prediction for this alteration is inconclusive. Since supporting evidence is limited at this time, the clinical significance of this alteration remains unclear.

Women's Health and Genetics/Laboratory Corporation of America, LabCorp
Classification: Uncertain significance. Last evaluated: 2018-06-11. Review status: criteria provided, single submitter. Criteria: LabCorp Variant Classification Summary - May 2015. Collection method: clinical testing. Allele origin: germline.
Comment: Variant summary: BRCA1 c.5575C>T (p.Pro1859Ser) results in a non-conservative amino acid change in the last exon of the encoded protein sequence. Three of four in-silico tools predict a benign effect of the variant on protein function. The variant was absent in 245578 control chromosomes (gnomAD). The available data on variant occurrences in the general population are insufficient to allow any conclusion about variant significance. To our knowledge, no occurrence of c.5575C>T in individuals affected with Hereditary Breast and Ovarian Cancer and no experimental evidence demonstrating its impact on protein function have been reported. A ClinVar submssion from a clinical diagnostic laboratory (evaluation after 2014) cites the variant as uncertain significance. Based on the evidence outlined above, the variant was classified as uncertain significance.

Labcorp Genetics (formerly Invitae), Labcorp
Classification: Uncertain significance for Hereditary breast ovarian cancer syndrome. Last evaluated: 2017-03-13. Review status: criteria provided, single submitter. Criteria: Invitae Variant Classification Sherloc (09022015). Collection method: clinical testing. Allele origin: germline.
Comment: In summary, this variant is a novel missense change that is not predicted to affect protein function. There is no indication that it causes disease, but the available evidence is currently insufficient to prove that conclusively. Therefore, it has been classified as a Variant of Uncertain Significance. Algorithms developed to predict the effect of missense changes on protein structure and function output the following: SIFT: "Tolerated"; PolyPhen-2: "Benign"; Align-GVGD: "Class C0". The serine amino acid residue is found in multiple mammalian species, suggesting that this missense change does not adversely affect protein function. These predictions have not been confirmed by published functional studies. This variant is not present in population databases (ExAC no frequency) and has not been reported in the literature in individuals with a BRCA1-related disease. This sequence change replaces proline with serine at codon 1859 of the BRCA1 protein (p.Pro1859Ser). The proline residue is weakly conserved and there is a moderate physicochemical difference between proline and serine.

Literature cited by the submitters: PubMed 25085752 (cited by Myriad Genetics, Inc.).

NM_007294.4(BRCA1):c.5575C>T (p.Pro1859Ser)

Gene: BRCA1 (BRCA1 DNA repair associated; minus strand). Cytogenetic location: 17q21.31.
Variant type: single nucleotide variant.
Coding change: c.5575C>T on transcript NM_007294.4 (MANE Select); coding-DNA position 5575, C replaced by T.
Protein change: p.Pro1859Ser; replaces proline 1859 with serine.
Molecular consequence: missense variant. On other transcripts: 3 prime UTR variant (1), non-coding transcript variant (1).
Genome position (GRCh38, 1-based): chr17:43,045,695, G>A on the plus strand (C>T on the coding strand, the complement: BRCA1 is on the minus strand). VCF-style: chr17-43045695-G-A. GRCh37 (hg19) VCF-style: chr17-41197712-G-A.
Other names: c.5362C>T, p.Pro1788Ser (NM_001407571.1, NM_001407898.1, NM_001407899.1 and 12 more transcripts); c.5641C>T, p.Pro1881Ser (NM_001407581.1, NM_001407582.1); c.5638C>T, p.Pro1880Ser (NM_001407583.1, NM_001407585.1, NM_001407587.1 and 1 more transcripts); c.5635C>T, p.Pro1879Ser (NM_001407590.1, NM_001407591.1); c.5575C>T, p.Pro1859Ser (NM_001407593.1, NM_001407594.1, NM_001407596.1 and 5 more transcripts); c.5572C>T, p.Pro1858Ser (NM_001407610.1, NM_001407611.1, NM_001407612.1 and 14 more transcripts); c.5569C>T, p.Pro1857Ser (NM_001407627.1, NM_001407628.1, NM_001407629.1 and 13 more transcripts); c.5563C>T, p.Pro1855Ser (NM_001407646.1); and 74 more; short protein forms P1859S, P1812S, P1880S, P755S, P1563S, P1690S, P1731S, P1747S.
Identifiers: ClinVar variation 462677 (VCV000462677.14), dbSNP rs1555574342, ClinGen allele CA10590175.